The following is an entry in ClinVar:

ClinVar aggregate classification (germline): Uncertain significance (1 of 4 stars; one submission).

Conditions:
Spastic paraplegia. Identifiers: MedGen C0037772, HP:0001258.
Combined oxidative phosphorylation defect type 7. Identifiers: Orphanet 254930, MedGen C3150801, MONDO:0013306, OMIM 613559.

Allele frequency attached by ClinVar (database versions not stated): gnomAD exomes 0.00001.

Submission:

Labcorp Genetics (formerly Invitae), Labcorp
Classification: Uncertain significance for Combined oxidative phosphorylation defect type 7; Spastic paraplegia. Last evaluated: 2022-03-15. Review status: criteria provided, single submitter. Criteria: Invitae Variant Classification Sherloc (09022015). Collection method: clinical testing. Allele origin: germline.
Comment: In summary, the available evidence is currently insufficient to determine the role of this variant in disease. Therefore, it has been classified as a Variant of Uncertain Significance. Algorithms developed to predict the effect of missense changes on protein structure and function output the following: SIFT: "Tolerated"; PolyPhen-2: "Not Available"; Align-GVGD: "Class C0". The alanine amino acid residue is found in multiple mammalian species, which suggests that this missense change does not adversely affect protein function. This variant has not been reported in the literature in individuals affected with C12orf65-related conditions. This variant is not present in population databases (gnomAD no frequency). This sequence change replaces glutamic acid, which is acidic and polar, with alanine, which is neutral and non-polar, at codon 130 of the C12orf65 protein (p.Glu130Ala).

NM_152269.5(MTRFR):c.389A>C (p.Glu130Ala)

Gene: MTRFR (mitochondrial translation release factor in rescue; plus strand). Cytogenetic location: 12q24.31.
Variant type: single nucleotide variant.
Coding change: c.389A>C on transcript NM_152269.5 (MANE Select); coding-DNA position 389, A replaced by C.
Protein change: p.Glu130Ala; replaces glutamic acid 130 with alanine.
Molecular consequence: missense variant.
Genome position (GRCh38, 1-based): chr12:123,256,919, A>C. VCF-style: chr12-123256919-A-C. GRCh37 (hg19) VCF-style: chr12-123741466-A-C.
Other names: c.389A>C, p.Glu130Ala (NM_001143905.2, NM_001194995.1); short protein forms E130A.
Identifiers: ClinVar variation 2112676 (VCV002112676.4), dbSNP rs1265373221, ClinGen allele CA387119143.